The following is an entry in ClinVar:

NM_004656.4(BAP1):c.665C>T (p.Pro222Leu)

Gene: BAP1 (BRCA1 associated deubiquitinase 1; minus strand). Cytogenetic location: 3p21.1.
Variant type: single nucleotide variant.
Coding change: c.665C>T on transcript NM_004656.4 (MANE Select); coding-DNA position 665, C replaced by T.
Protein change: p.Pro222Leu; replaces proline 222 with leucine.
Molecular consequence: missense variant. On other transcripts: intron variant (1).
Genome position (GRCh38, 1-based): chr3:52,406,371, G>A on the plus strand (C>T on the coding strand, the complement: BAP1 is on the minus strand). VCF-style: chr3-52406371-G-A. GRCh37 (hg19) VCF-style: chr3-52440387-G-A.
Other names: c.660-49C>T (NM_001410772.1); short protein forms P222L.
Identifiers: ClinVar variation 3224477 (VCV003224477.1), dbSNP rs2153227500, ClinGen allele CA353107609.

ClinVar aggregate classification (germline): Uncertain significance (1 of 4 stars; one submission).

Conditions:
Hereditary cancer-predisposing syndrome. Also called: Tumor predisposition; Hereditary neoplastic syndrome; Hereditary Cancer Syndrome; Neoplastic Syndromes, Hereditary. Identifiers: Orphanet 140162, MedGen C0027672, MeSH D009386, MONDO:0015356.

Submission:

Ambry Genetics
Classification: Uncertain significance for Hereditary cancer-predisposing syndrome. Last evaluated: 2024-01-11. Review status: criteria provided, single submitter. Criteria: Ambry Variant Classification Scheme 2023. Collection method: clinical testing. Allele origin: germline.
Comment: The p.P222L variant (also known as c.665C>T), located in coding exon 9 of the BAP1 gene, results from a C to T substitution at nucleotide position 665. The proline at codon 222 is replaced by leucine, an amino acid with similar properties. This amino acid position is conserved. In addition, the in silico prediction for this alteration is inconclusive. Since supporting evidence is limited at this time, the clinical significance of this alteration remains unclear.